The following is an entry in ClinVar:

NM_014159.7(SETD2):c.7039C>G (p.Gln2347Glu)

Gene: SETD2 (SET domain containing 2, histone lysine methyltransferase; minus strand). Cytogenetic location: 3p21.31.
Variant type: single nucleotide variant.
Coding change: c.7039C>G on transcript NM_014159.7 (MANE Select); coding-DNA position 7039, C replaced by G.
Protein change: p.Gln2347Glu; replaces glutamine 2347 with glutamic acid.
Molecular consequence: missense variant. On other transcripts: non-coding transcript variant (1).
Genome position (GRCh38, 1-based): chr3:47,046,546, G>C on the plus strand (C>G on the coding strand, the complement: SETD2 is on the minus strand). VCF-style: chr3-47046546-G-C. GRCh37 (hg19) VCF-style: chr3-47088036-G-C.
Other names: c.6907C>G, p.Gln2303Glu (NM_001349370.3); short protein forms Q2303E, Q2347E.
Identifiers: ClinVar variation 2415192 (VCV002415192.6), dbSNP rs1024557543, ClinGen allele CA73789588.

ClinVar aggregate classification (germline): Uncertain significance (1 of 4 stars; one submission).

Conditions:
Luscan-Lumish syndrome. Identifiers: Orphanet 597738, MedGen C4085873, MONDO:0014791, OMIM 616831.

Allele frequency attached by ClinVar (database versions not stated): TOPMed below 0.00001; gnomAD 0.00001; gnomAD exomes 0.00001.
gnomAD v4.1: 8 of 1,613,180 alleles (0.0005%); highest among the groups gnomAD compares: African/African-American, 0.0013%; no homozygotes.

Submission:

Labcorp Genetics (formerly Invitae), Labcorp
Classification: Uncertain significance for Luscan-Lumish syndrome. Last evaluated: 2022-06-13. Review status: criteria provided, single submitter. Criteria: Invitae Variant Classification Sherloc (09022015). Collection method: clinical testing. Allele origin: germline.
Comment: This variant is not present in population databases (gnomAD no frequency). In summary, the available evidence is currently insufficient to determine the role of this variant in disease. Therefore, it has been classified as a Variant of Uncertain Significance. Algorithms developed to predict the effect of missense changes on protein structure and function are either unavailable or do not agree on the potential impact of this missense change (SIFT: "Tolerated"; PolyPhen-2: "Probably Damaging"; Align-GVGD: "Class C0"). This variant has not been reported in the literature in individuals affected with SETD2-related conditions. This sequence change replaces glutamine, which is neutral and polar, with glutamic acid, which is acidic and polar, at codon 2347 of the SETD2 protein (p.Gln2347Glu).